The following is an entry in ClinVar:

ClinVar aggregate classification (germline): Uncertain significance (1 of 4 stars; one submission).

Conditions:
FOCAD-related disorder. Also called: FOCAD-related condition.

Allele frequency attached by ClinVar (database versions not stated): TOPMed 0.00003.
gnomAD v4.1: 8 of 1,612,192 alleles (0.0005%); highest among the groups gnomAD compares: African/African-American, 0.011%; 1 homozygote.

Submission:

PreventionGenetics, part of Exact Sciences
Classification: Uncertain significance for FOCAD-related condition. Last evaluated: 2022-10-12. Review status: criteria provided, single submitter. Criteria: ACMG Guidelines, 2015. Collection method: clinical testing. Allele origin: germline.
Comment: The FOCAD c.1583G>T variant is predicted to result in the amino acid substitution p.Arg528Leu. To our knowledge, this variant has not been reported in the literature. This variant is reported in 0.020% of alleles in individuals of African descent in gnomAD. At this time, the clinical significance of this variant is uncertain due to the absence of conclusive functional and genetic evidence.

NM_001375567.1(FOCAD):c.1583G>T (p.Arg528Leu)

Gene: FOCAD (focadhesin; plus strand). Cytogenetic location: 9p21.3.
Variant type: single nucleotide variant.
Coding change: c.1583G>T on transcript NM_001375567.1 (MANE Select); coding-DNA position 1583, G replaced by T.
Protein change: p.Arg528Leu; replaces arginine 528 with leucine.
Molecular consequence: missense variant.
Genome position (GRCh38, 1-based): chr9:20,820,346, G>T. VCF-style: chr9-20820346-G-T. GRCh37 (hg19) VCF-style: chr9-20820345-G-T.
Other names: c.1478G>T, p.Arg493Leu (NM_001375568.1, NM_001375570.1); c.1583G>T, p.Arg528Leu (NM_017794.5); short protein forms R493L, R528L.
Identifiers: ClinVar variation 2637331 (VCV002637331.1), dbSNP rs778930504, ClinGen allele CA5006771.